The following is an entry in ClinVar:

NM_000054.7(AVPR2):c.815dup (p.Met272fs)

Gene: AVPR2 (arginine vasopressin receptor 2; plus strand). Cytogenetic location: Xq28.
Variant type: Duplication.
Coding change: c.815dup on transcript NM_000054.7 (MANE Select); coding-DNA position 815, one base duplicated (T; older notation c.815dupT).
Protein change: p.Met272fs; shifts the reading frame from methionine 272.
Molecular consequence: frameshift variant. On other transcripts: non-coding transcript variant (1).
Genome position (GRCh38, 1-based): chrX:153,906,321, T duplicated. VCF-style (leftmost placement, unchanged base first): chrX-153906320-A-AT. GRCh37 (hg19) VCF-style: chrX-153171774-A-AT.
Other names: c.815dup (NM_000054.6); c.815dup, p.Met272fs (NM_001146151.3); short protein forms M272fs.
Identifiers: ClinVar variation 3356326 (VCV003356326.2).

ClinVar aggregate classification (germline): Likely pathogenic. Review status: criteria provided, single submitter (1 of 4 stars). 2 submissions from 2 submitters: Likely pathogenic (1). 1 of the submissions does not count toward it. Last evaluated 2024-01-23.

Conditions:
Nephrogenic syndrome of inappropriate antidiuresis (NSIAD). Identifiers: Orphanet 93606, MedGen C1845202, MONDO:0010356, OMIM 300539.
Diabetes insipidus, nephrogenic, X-linked. Also called: Nephrogenic Diabetes Insipidus, Type I. Identifiers: Orphanet 223, MedGen C1563705, MONDO:0010581, OMIM 304800.
AVPR2-related disorder. Also called: AVPR2-related condition.

Submissions (2):

Fulgent Genetics
Classification: Likely pathogenic for Nephrogenic syndrome of inappropriate antidiuresis; Diabetes insipidus, nephrogenic, X-linked. Last evaluated: 2024-01-23. Review status: criteria provided, single submitter. Criteria: ACMG Guidelines, 2015. Collection method: clinical testing. Allele origin: germline.

PreventionGenetics, part of Exact Sciences
Classification: Likely pathogenic for AVPR2-related condition. Last evaluated: 2024-04-03. Review status: no assertion criteria provided. Collection method: clinical testing. Allele origin: germline. Not counted in ClinVar's aggregate classification.
Comment: The AVPR2 c.815dupT variant is predicted to result in a frameshift and premature protein termination (p.Met272Ilefs*85). To our knowledge, this variant has not been reported in the literature or in a large population database, indicating this variant is rare. Frameshift variants in AVPR2 are expected to be pathogenic. This variant is interpreted as likely pathogenic.